The following is an entry in ClinVar:

ClinVar aggregate classification (germline): Benign/Likely benign. Review status: criteria provided, multiple submitters, no conflicts (2 of 4 stars). 4 submissions from 4 submitters: Benign (1); Likely benign (2). 1 of the submissions does not count toward it. Last evaluated 2026-07-01.

Conditions:
ANK3-related disorder. Also called: ANK3-related condition.

Allele frequency attached by ClinVar (database versions not stated): 1000 Genomes Project 30x 0.00390; 1000 Genomes Project 0.00399; ExAC 0.00439; TOPMed 0.00686; gnomAD exomes 0.00762 and 0.00956; gnomAD 0.00796 and 0.00832.
gnomAD v4.1: 8,247 of 892,554 alleles (0.92%); highest among the groups gnomAD compares: Non-Finnish European, 1.1%; 55 homozygotes.

Submissions (9):

CeGaT Center for Human Genetics Tuebingen
Classification: Benign. Last evaluated: 2026-07-01. Review status: criteria provided, single submitter. Criteria: CeGaT Center For Human Genetics Tuebingen Variant Classification Criteria Version 2. Collection method: clinical testing. Allele origin: germline. Affected: yes. Observed: 45 variant alleles.
Comment: ANK3: BP4, BS1, BS2

Center for Pediatric Genomic Medicine, Children's Mercy Hospital and Clinics
Classification: Likely benign. Last evaluated: 2017-02-02. Review status: criteria provided, single submitter. Criteria: ACMG Guidelines, 2015. Collection method: clinical testing. Allele origin: germline.
ClinVar note: Converted during submission from Likely Benign to Likely benign.

Breakthrough Genomics
Classification: Likely benign. Review status: criteria provided, single submitter. Criteria: ACMG Guidelines, 2015. Collection method: not provided. Allele origin: germline. Inheritance: Autosomal recessive inheritance. Affected: yes.

PreventionGenetics, part of Exact Sciences
Classification: Benign for ANK3-related condition. Last evaluated: 2021-12-31. Review status: no assertion criteria provided. Collection method: clinical testing. Allele origin: germline. Not counted in ClinVar's aggregate classification.
Comment: This variant is classified as benign based on ACMG/AMP sequence variant interpretation guidelines (Richards et al. 2015 PMID: 25741868, with internal and published modifications).

Dr. Peter K. Rogan Lab, Western University
No classification provided (evidence only). Condition: Uterine corpus endometrial carcinoma. Review status: no classification provided. Collection method: in vitro. Allele origin: not applicable. Functional consequence: retained intron. Not counted in ClinVar's aggregate classification.

Dr. Peter K. Rogan Lab, Western University
No classification provided (evidence only). Condition: Uterine corpus endometrial carcinoma. Review status: no classification provided. Collection method: in vitro. Allele origin: not applicable. Functional consequence: skipped exon. Not counted in ClinVar's aggregate classification.

Dr. Peter K. Rogan Lab, Western University
No classification provided (evidence only). Condition: Uterine corpus endometrial carcinoma. Review status: no classification provided. Collection method: in vitro. Allele origin: not applicable. Functional consequence: skipped exon, retained intron. Not counted in ClinVar's aggregate classification.

Dr. Peter K. Rogan Lab, Western University
No classification provided (evidence only). Condition: Cervical cancer. Review status: no classification provided. Collection method: in vitro. Allele origin: not applicable. Functional consequence: retained intron. Not counted in ClinVar's aggregate classification.

Dr. Peter K. Rogan Lab, Western University
No classification provided (evidence only). Condition: Ovarian serous cystadenocarcinoma. Review status: no classification provided. Collection method: in vitro. Allele origin: not applicable. Functional consequence: retained intron. Not counted in ClinVar's aggregate classification.

NM_020987.5(ANK3):c.2615-6882A>G

Gene: ANK3 (ankyrin 3; minus strand). Cytogenetic location: 10q21.2.
Variant type: single nucleotide variant.
Coding change: c.2615-6882A>G on transcript NM_020987.5 (MANE Select); 6882 bases into the intron before coding-DNA position 2615, A replaced by G.
Molecular consequence: intron variant. On other transcripts: synonymous variant (1).
Genome position (GRCh38, 1-based): chr10:60,145,969, T>C on the plus strand (A>G on the coding strand, the complement: ANK3 is on the minus strand). VCF-style: chr10-60145969-T-C. GRCh37 (hg19) VCF-style: chr10-61905727-T-C.
Other names: NC_000010.10:g.61905727T>C; c.2616A>G, p.Lys872= (NM_001204404.2); c.2597-6882A>G (NM_001204403.2); c.2615-6882A>G (NM_001320874.2); c.2616A>G (NM_001204404.1).
Identifiers: ClinVar variation 377141 (VCV000377141.29), dbSNP rs41283526, ClinGen allele CA5512746.